The following is an entry in ClinVar:

ClinVar aggregate classification (germline): Uncertain significance. Review status: criteria provided, multiple submitters, no conflicts (2 of 4 stars). 3 submissions from 3 submitters: Uncertain significance (3). Last evaluated 2025-08-01.

Conditions:
Inborn genetic diseases. Identifiers: MedGen C0950123, MeSH D030342.
Spastic paraplegia. Identifiers: MedGen C0037772, HP:0001258.

Allele frequency attached by ClinVar (database versions not stated): gnomAD exomes 0.00002; ExAC 0.00003; gnomAD 0.00004; TOPMed 0.00008.
gnomAD v4.1: 47 of 1,613,846 alleles (0.0029%); highest among the groups gnomAD compares: Admixed American, 0.017%; no homozygotes.

Submissions (3):

Ambry Genetics
Classification: Uncertain significance for Inborn genetic diseases. Last evaluated: 2025-08-01. Review status: criteria provided, single submitter. Criteria: Ambry Variant Classification Scheme 2023. Collection method: clinical testing. Allele origin: germline.

Blueprint Genetics
Classification: Uncertain significance. Last evaluated: 2022-12-09. Review status: criteria provided, single submitter. Criteria: ACMG Guidelines, 2015. Collection method: clinical testing. Allele origin: germline.

Labcorp Genetics (formerly Invitae), Labcorp
Classification: Uncertain significance for Spastic paraplegia. Last evaluated: 2022-08-21. Review status: criteria provided, single submitter. Criteria: Invitae Variant Classification Sherloc (09022015). Collection method: clinical testing. Allele origin: germline.
Comment: This sequence change replaces arginine, which is basic and polar, with glutamine, which is neutral and polar, at codon 257 of the CYP2U1 protein (p.Arg257Gln). This variant is present in population databases (rs760549002, gnomAD 0.02%). This variant has not been reported in the literature in individuals affected with CYP2U1-related conditions. Advanced modeling of protein sequence and biophysical properties (such as structural, functional, and spatial information, amino acid conservation, physicochemical variation, residue mobility, and thermodynamic stability) performed at Invitae indicates that this missense variant is not expected to disrupt CYP2U1 protein function. In summary, the available evidence is currently insufficient to determine the role of this variant in disease. Therefore, it has been classified as a Variant of Uncertain Significance.

NM_183075.3(CYP2U1):c.770G>A (p.Arg257Gln)

Gene: CYP2U1 (cytochrome P450 family 2 subfamily U member 1; plus strand). Cytogenetic location: 4q25.
Variant type: single nucleotide variant.
Coding change: c.770G>A on transcript NM_183075.3 (MANE Select); coding-DNA position 770, G replaced by A.
Protein change: p.Arg257Gln; replaces arginine 257 with glutamine.
Molecular consequence: missense variant.
Genome position (GRCh38, 1-based): chr4:107,945,249, G>A. VCF-style: chr4-107945249-G-A. GRCh37 (hg19) VCF-style: chr4-108866405-G-A.
Other names: c.770G>A (NM_183075.2); short protein forms R257Q.
Identifiers: ClinVar variation 2200378 (VCV002200378.3), dbSNP rs760549002, ClinGen allele CA3037059.